The following is an entry in ClinVar:

ClinVar aggregate classification (germline): Conflicting classifications of pathogenicity. Review status: criteria provided, conflicting classifications (1 of 4 stars). 3 submissions from 3 submitters: Uncertain significance (1); Likely benign (2). Last evaluated 2025-12-08.

Conditions:
BEST1-related disorder. Also called: BEST1-related disorders; BEST1-related condition. Identifiers: MedGen CN239200.
Retinitis pigmentosa (RP). Identifiers: Orphanet 791, MedGen C0035334, MeSH D012174, MONDO:0019200, OMIM 268000. Inheritance: Autosomal dominant, autosomal recessive and X linked inheritance.

Allele frequency attached by ClinVar (database versions not stated): gnomAD 0.00009 and 0.00013; TOPMed 0.00018; ExAC 0.00026; 1000 Genomes Project 30x 0.00062; 1000 Genomes Project 0.00080.

Submissions (3):

PreventionGenetics, part of Exact Sciences
Classification: Likely benign for BEST1-related condition. Last evaluated: 2025-12-08. Review status: criteria provided, single submitter. Criteria: ACMG Guidelines, 2015. Collection method: clinical testing. Allele origin: germline.
Comment: This variant is classified as likely benign based on ACMG/AMP sequence variant interpretation guidelines (Richards et al. 2015 PMID: 25741868, with internal and published modifications).

GeneDx
Classification: Likely benign. Last evaluated: 2020-09-03. Review status: criteria provided, single submitter. Criteria: GeneDx Variant Classification Process June 2021. Collection method: clinical testing. Allele origin: germline. Affected: yes.
Comment: See Variant Classification Assertion Criteria.

Illumina Laboratory Services, Illumina
Classification: Uncertain significance for Retinitis pigmentosa. Last evaluated: 2018-01-13. Review status: criteria provided, single submitter. Criteria: ICSL Variant Classification Criteria 13 December 2019. Collection method: clinical testing. Allele origin: germline.

NM_004183.4(BEST1):c.*24C>T

Gene: BEST1 (bestrophin 1; plus strand). Cytogenetic location: 11q12.3.
Variant type: single nucleotide variant.
Coding change: c.*24C>T on transcript NM_004183.4 (MANE Select); 24 bases downstream of the stop codon, C replaced by T.
Molecular consequence: 3 prime UTR variant. On other transcripts: non-coding transcript variant (1).
Genome position (GRCh38, 1-based): chr11:61,964,146, C>T. VCF-style: chr11-61964146-C-T. GRCh37 (hg19) VCF-style: chr11-61731618-C-T.
Other names: c.*997C>T (NM_001139443.3, NM_001363591.3, NM_001363593.3); c.*24C>T (NM_001300786.2, NM_001300787.2); c.*1887C>T (NM_001363592.2).
Identifiers: ClinVar variation 305132 (VCV000305132.8), dbSNP rs142482048, ClinGen allele CA6041173.